The following is an entry in ClinVar:

ClinVar aggregate classification (germline): Uncertain significance. Review status: criteria provided, multiple submitters, no conflicts (2 of 4 stars). 3 submissions from 3 submitters: Uncertain significance (3). Last evaluated 2026-01-05.

Conditions:
Age related macular degeneration 1 (ARMD1). Also called: MACULOPATHY, AGE-RELATED, 1. Identifiers: MedGen C1864205, MONDO:0011285, OMIM 603075.

Allele frequency attached by ClinVar (database versions not stated): gnomAD 0.00005 and 0.00004; ExAC 0.00006; gnomAD exomes 0.00006 and 0.00001; TOPMed 0.00004.

Submissions (3):

Labcorp Genetics (formerly Invitae), Labcorp
Classification: Uncertain significance. Last evaluated: 2026-01-05. Review status: criteria provided, single submitter. Criteria: Invitae Variant Classification Sherloc (09022015). Collection method: clinical testing. Allele origin: germline.
Comment: This sequence change replaces serine, which is neutral and polar, with proline, which is neutral and non-polar, at codon 634 of the HMCN1 protein (p.Ser634Pro). This variant is present in population databases (rs779907065, gnomAD 0.04%). This variant has not been reported in the literature in individuals affected with HMCN1-related conditions. ClinVar contains an entry for this variant (Variation ID: 1358605). An algorithm developed to predict the effect of missense changes on protein structure and function (PolyPhen-2) suggests that this variant is likely to be disruptive. In summary, the available evidence is currently insufficient to determine the role of this variant in disease. Therefore, it has been classified as a Variant of Uncertain Significance.

Ambry Genetics
Classification: Uncertain significance. Last evaluated: 2025-04-03. Review status: criteria provided, single submitter. Criteria: Ambry Variant Classification Scheme 2023. Collection method: clinical testing. Allele origin: germline.

Genome-Nilou Lab
Classification: Uncertain significance for Age related macular degeneration 1. Last evaluated: 2023-04-11. Review status: criteria provided, single submitter. Criteria: ACMG Guidelines, 2015. Collection method: clinical testing. Allele origin: germline. Affected: no.

NM_031935.3(HMCN1):c.1900T>C (p.Ser634Pro)

Gene: HMCN1 (hemicentin 1; plus strand). Cytogenetic location: 1q31.1.
Variant type: single nucleotide variant.
Coding change: c.1900T>C on transcript NM_031935.3 (MANE Select); coding-DNA position 1900, T replaced by C.
Protein change: p.Ser634Pro; replaces serine 634 with proline.
Molecular consequence: missense variant.
Genome position (GRCh38, 1-based): chr1:185,962,589, T>C. VCF-style: chr1-185962589-T-C. GRCh37 (hg19) VCF-style: chr1-185931721-T-C.
Other names: c.1900T>C (NM_031935.2); short protein forms S634P.
Identifiers: ClinVar variation 1358605 (VCV001358605.8), dbSNP rs779907065, ClinGen allele CA1291234.